The following is an entry in ClinVar:

ClinVar aggregate classification (germline): Pathogenic/Likely pathogenic. Review status: criteria provided, multiple submitters, no conflicts (2 of 4 stars). 6 submissions from 6 submitters: Pathogenic (5); Likely pathogenic (1). Last evaluated 2024-02-02.

Conditions:
Hereditary cancer-predisposing syndrome. Also called: Hereditary Cancer Syndrome; Neoplastic Syndromes, Hereditary; Tumor predisposition; Hereditary neoplastic syndrome. Identifiers: Orphanet 140162, MedGen C0027672, MeSH D009386, MONDO:0015356.
Ataxia-telangiectasia syndrome (AT). Also called: Cerebello-oculocutaneous telangiectasia; Immunodeficiency with ataxia telangiectasia; Ataxia-telangiectasia, complementation group E; Ataxia-telangiectasia, complementation group D; AT, COMPLEMENTATION GROUP C; ATAXIA-TELANGIECTASIA, COMPLEMENTATION GROUP A. Identifiers: Orphanet 100, MedGen C0004135, MONDO:0008840, OMIM 208900.
Familial cancer of breast. Also called: BREAST CANCER, FAMILIAL; Hereditary breast cancer; hereditary breast carcinoma. Identifiers: Orphanet 227535, MedGen C0346153, MONDO:0016419, OMIM 114480. Disease mechanism: loss of function.

Submissions (6):

Myriad Genetics, Inc.
Classification: Pathogenic for Familial cancer of breast. Last evaluated: 2024-02-02. Review status: criteria provided, single submitter. Criteria: Myriad Autosomal Dominant, Autosomal Recessive and X-Linked Classification Criteria (2023). Collection method: clinical testing. Allele origin: unknown.
Comment: This variant is considered pathogenic. This variant creates a termination codon and is predicted to result in premature protein truncation.

Labcorp Genetics (formerly Invitae), Labcorp
Classification: Pathogenic for Ataxia-telangiectasia syndrome. Last evaluated: 2023-02-01. Review status: criteria provided, single submitter. Criteria: Invitae Variant Classification Sherloc (09022015). Collection method: clinical testing. Allele origin: germline.
Comment: For these reasons, this variant has been classified as Pathogenic. ClinVar contains an entry for this variant (Variation ID: 617780). This variant has not been reported in the literature in individuals affected with ATM-related conditions. This variant is not present in population databases (gnomAD no frequency). This sequence change creates a premature translational stop signal (p.Gln2809*) in the ATM gene. It is expected to result in an absent or disrupted protein product. Loss-of-function variants in ATM are known to be pathogenic (PMID: 23807571, 25614872).

Centre for Mendelian Genomics, University Medical Centre Ljubljana
Classification: Pathogenic for Familial cancer of breast. Last evaluated: 2022-12-09. Review status: criteria provided, single submitter. Criteria: ACMG Guidelines, 2015. Collection method: research. Allele origin: germline. Affected: no.
Comment: PVS1, PM3_SUP , PM2_SUP

Ambry Genetics
Classification: Pathogenic for Hereditary cancer-predisposing syndrome. Last evaluated: 2021-02-19. Review status: criteria provided, single submitter. Criteria: Ambry Variant Classification Scheme 2023. Collection method: clinical testing. Allele origin: germline.
Comment: The p.Q2809* pathogenic mutation (also known as c.8425C>T), located in coding exon 57 of the ATM gene, results from a C to T substitution at nucleotide position 8425. This changes the amino acid from a glutamine to a stop codon within coding exon 57. This alteration is expected to result in loss of function by premature protein truncation or nonsense-mediated mRNA decay. As such, this alteration is interpreted as a disease-causing mutation.

Color Diagnostics, LLC DBA Color Health
Classification: Pathogenic for Hereditary cancer-predisposing syndrome. Last evaluated: 2020-01-15. Review status: criteria provided, single submitter. Criteria: ACMG Guidelines, 2015. Collection method: clinical testing. Allele origin: germline.
Comment: This variant changes 1 nucleotide in exon 58 of the ATM gene, creating a premature translation stop signal. This variant is expected to result in an absent or non-functional protein product. This variant has not been identified in the general population by the Genome Aggregation Database (gnomAD). Loss of ATM function is a known mechanism of disease. Based on the available evidence, this variant is classified as Pathogenic.

Department of Molecular Diagnostics, Institute of Oncology Ljubljana
Classification: Likely pathogenic for Hereditary cancer-predisposing syndrome. Last evaluated: 2018-10-24. Review status: criteria provided, single submitter. Criteria: ACMG Guidelines, 2015. Collection method: clinical testing. Allele origin: germline. Affected: yes.

Literature cited by the submitters: PubMed 23807571 (cited by Labcorp Genetics (formerly Invitae), Labcorp); PubMed 25614872 (cited by Labcorp Genetics (formerly Invitae), Labcorp).

NM_000051.4(ATM):c.8425C>T (p.Gln2809Ter)

Genes: ATM (ATM serine/threonine kinase; plus strand), C11orf65 (chromosome 11 open reading frame 65; minus strand). Cytogenetic location: 11q22.3.
Variant type: single nucleotide variant.
Coding change: c.8425C>T on transcript NM_000051.4 (MANE Select); coding-DNA position 8425, C replaced by T.
Protein change: p.Gln2809Ter; replaces glutamine 2809 with a stop codon.
Molecular consequence: nonsense. On other transcripts: intron variant (2).
Genome position (GRCh38, 1-based): chr11:108,345,749, C>T. VCF-style: chr11-108345749-C-T. GRCh37 (hg19) VCF-style: chr11-108216476-C-T.
Other names: c.8425C>T, p.Gln2809Ter (NM_001351834.2); c.641-36678G>A (NM_001330368.2); c.695-10457G>A (NM_001351110.2); short protein forms Q2809*.
Identifiers: ClinVar variation 617780 (VCV000617780.17), dbSNP rs1555137973, ClinGen allele CA382517734.